The following is an entry in ClinVar:

ClinVar aggregate classification (germline): Uncertain significance (1 of 4 stars; one submission).

Conditions:
Adams-Oliver syndrome 5 (AOS5). Identifiers: Orphanet 974, MedGen C4014970, MONDO:0014459, OMIM 616028.

Submission:

Labcorp Genetics (formerly Invitae), Labcorp
Classification: Uncertain significance for Adams-Oliver syndrome 5. Last evaluated: 2023-08-24. Review status: criteria provided, single submitter. Criteria: Invitae Variant Classification Sherloc (09022015). Collection method: clinical testing. Allele origin: germline.
Comment: In summary, the available evidence is currently insufficient to determine the role of this variant in disease. Therefore, it has been classified as a Variant of Uncertain Significance. Advanced modeling of protein sequence and biophysical properties (such as structural, functional, and spatial information, amino acid conservation, physicochemical variation, residue mobility, and thermodynamic stability) performed at Invitae indicates that this missense variant is not expected to disrupt NOTCH1 protein function. ClinVar contains an entry for this variant (Variation ID: 1381548). This variant has not been reported in the literature in individuals affected with NOTCH1-related conditions. This variant is not present in population databases (gnomAD no frequency). This sequence change replaces serine, which is neutral and polar, with proline, which is neutral and non-polar, at codon 1911 of the NOTCH1 protein (p.Ser1911Pro).

NM_017617.5(NOTCH1):c.5731T>C (p.Ser1911Pro)

Gene: NOTCH1 (notch receptor 1; minus strand). Cytogenetic location: 9q34.3.
Variant type: single nucleotide variant.
Coding change: c.5731T>C on transcript NM_017617.5 (MANE Select); coding-DNA position 5731, T replaced by C.
Protein change: p.Ser1911Pro; replaces serine 1911 with proline.
Molecular consequence: missense variant.
Genome position (GRCh38, 1-based): chr9:136,500,755, A>G on the plus strand (T>C on the coding strand, the complement: NOTCH1 is on the minus strand). VCF-style: chr9-136500755-A-G. GRCh37 (hg19) VCF-style: chr9-139395207-A-G.
Other names: short protein forms S1911P.
Identifiers: ClinVar variation 1381548 (VCV001381548.6), dbSNP rs2133326413, ClinGen allele CA375637447.